The following is an entry in ClinVar:

ClinVar aggregate classification (germline): Likely benign. Review status: criteria provided, multiple submitters, no conflicts (2 of 4 stars). 2 submissions from 2 submitters: Likely benign (2). Last evaluated 2025-12-22.

Conditions:
Familial adenomatous polyposis 2. Also called: FAP type 2; MUTYH Polyposis; COLORECTAL ADENOMATOUS POLYPOSIS, AUTOSOMAL RECESSIVE; ADENOMAS, MULTIPLE COLORECTAL, AUTOSOMAL RECESSIVE; MYH-associated polyposis; MUTYH-associated polyposis. Identifiers: Orphanet 220460, Orphanet 247798, MedGen C3272841, MONDO:0012041, OMIM 608456.

Submissions (2):

Labcorp Genetics (formerly Invitae), Labcorp
Classification: Likely benign for Familial adenomatous polyposis 2. Last evaluated: 2025-12-22. Review status: criteria provided, single submitter. Criteria: Invitae Variant Classification Sherloc (09022015). Collection method: clinical testing. Allele origin: germline.

All of Us Research Program, National Institutes of Health
Classification: Likely benign for Familial adenomatous polyposis 2. Last evaluated: 2023-12-01. Review status: criteria provided, single submitter. Criteria: ACMG Guidelines, 2015. Collection method: clinical testing. Allele origin: germline. Inheritance: Autosomal recessive inheritance. Observed: 3 variant alleles, 3 heterozygotes.
Comment: This study involves interpretation of variants in research participants for the purpose of population health screening. Participant phenotype was not available at the time of variant classification. Additional details can be found in publication PMID: 35346344, PMCID: PMC8962531

NM_001048174.2(MUTYH):c.379-6C>T

Gene: MUTYH (mutY DNA glycosylase; minus strand). Cytogenetic location: 1p34.1.
Variant type: single nucleotide variant.
Coding change: c.379-6C>T on transcript NM_001048174.2 (MANE Select); 6 bases into the intron before coding-DNA position 379, C replaced by T.
Molecular consequence: intron variant.
Genome position (GRCh38, 1-based): chr1:45,332,965, G>A on the plus strand (C>T on the coding strand, the complement: MUTYH is on the minus strand). VCF-style: chr1-45332965-G-A. GRCh37 (hg19) VCF-style: chr1-45798637-G-A.
Other names: c.34-6C>T (NM_001350651.2, NM_001350650.2); c.103-6C>T (NM_001293192.2, NM_001293196.2); c.379-6C>T (NM_001048171.2, NM_001048173.2, NM_001293195.2); c.424-6C>T (NM_001293190.2); c.454-6C>T (NM_012222.3); c.463-6C>T (NM_001128425.2); c.382-6C>T (NM_001048172.2); c.412-6C>T (NM_001293191.2).
Identifiers: ClinVar variation 1077267 (VCV001077267.10), dbSNP rs2149161957, ClinGen allele CA2499214773.
Genomic context (GRCh38, chr1:45,332,965, plus strand): 5'-GGGTGGCTCTCACCTCCAGGGAAGCACTGGCCAGGTCCTGCAGTGTAGGCCACTTCTATA[G>A]CCACAGGCAGGCAGAAAGAGACAAGGTCAAGGGTGAAGGTGGTAGAGGAAGCCTTCTCTA-3'